The following is an entry in ClinVar:

NM_024675.4(PALB2):c.1061del (p.Ser354fs)

Gene: PALB2 (partner and localizer of BRCA2; minus strand). Cytogenetic location: 16p12.2.
Variant type: Deletion.
Coding change: c.1061del on transcript NM_024675.4 (MANE Select); coding-DNA position 1061, one base deleted (C; older notation c.1061delC).
Protein change: p.Ser354fs; shifts the reading frame from serine 354.
Molecular consequence: frameshift variant.
Genome position (GRCh38, 1-based): chr16:23,635,485, G deleted on the plus strand (C on the coding strand, the reverse complement: PALB2 is on the minus strand). VCF-style (leftmost placement, unchanged base first): chr16-23635484-AG-A. GRCh37 (hg19) VCF-style: chr16-23646805-AG-A.
Other names: c.1001delC, p.Ser334Phefs (NM_001407296.1); c.1061delC, p.Ser354Phefs (NM_001407297.1, NM_001407298.1, NM_001407299.1 and 3 more transcripts); c.176delC, p.Ser59Phefs (NM_001407304.1, NM_001407305.1, NM_001407306.1 and 5 more transcripts); short protein forms S354fs.
Identifiers: ClinVar variation 1780403 (VCV001780403.8), dbSNP rs2506490399, ClinGen allele CA2580091319.
Genomic context (GRCh38, chr16:23,635,484, plus strand): 5'-AATCTCACTTTCCTGAAGATTTTCATTCCTGCCATCAAGAGTGTCACTGGGAGATTTTAA[AG>A]ATTTCTCTGTTTGATTTTGTTCTTTTAAGTTTTGGTTTTCATTTGCTGGTAAGTTATTGT-3'

ClinVar aggregate classification (germline): Pathogenic. Review status: criteria provided, multiple submitters, no conflicts (2 of 4 stars). 3 submissions from 3 submitters: Pathogenic (3). Last evaluated 2024-11-04.

Conditions:
Hereditary cancer-predisposing syndrome. Also called: Neoplastic Syndromes, Hereditary; Tumor predisposition; Hereditary Cancer Syndrome; Hereditary neoplastic syndrome. Identifiers: Orphanet 140162, MedGen C0027672, MeSH D009386, MONDO:0015356.
Familial cancer of breast. Also called: BREAST CANCER, FAMILIAL; Hereditary breast cancer; hereditary breast carcinoma. Identifiers: Orphanet 227535, MedGen C0346153, MONDO:0016419, OMIM 114480. Disease mechanism: loss of function.

Submissions (3):

Labcorp Genetics (formerly Invitae), Labcorp
Classification: Pathogenic for Familial cancer of breast. Last evaluated: 2024-11-04. Review status: criteria provided, single submitter. Criteria: Invitae Variant Classification Sherloc (09022015). Collection method: clinical testing. Allele origin: germline.
Comment: This sequence change creates a premature translational stop signal (p.Ser354Phefs*2) in the PALB2 gene. It is expected to result in an absent or disrupted protein product. Loss-of-function variants in PALB2 are known to be pathogenic (PMID: 17200668, 17200671, 17200672, 24136930, 25099575). This variant is not present in population databases (gnomAD no frequency). This variant has not been reported in the literature in individuals affected with PALB2-related conditions. ClinVar contains an entry for this variant (Variation ID: 1780403). For these reasons, this variant has been classified as Pathogenic.

Myriad Genetics, Inc.
Classification: Pathogenic for Familial cancer of breast. Last evaluated: 2023-09-07. Review status: criteria provided, single submitter. Criteria: Myriad Autosomal Dominant, Autosomal Recessive and X-Linked Classification Criteria (2023). Collection method: clinical testing. Allele origin: unknown.
Comment: This variant is considered pathogenic. This variant creates a frameshift predicted to result in premature protein truncation.

Ambry Genetics
Classification: Pathogenic for Hereditary cancer-predisposing syndrome. Last evaluated: 2021-07-19. Review status: criteria provided, single submitter. Criteria: Ambry Variant Classification Scheme 2023. Collection method: clinical testing. Allele origin: germline.
Comment: The c.1061delC pathogenic mutation, located in coding exon 4 of the PALB2 gene, results from a deletion of one nucleotide at nucleotide position 1061, causing a translational frameshift with a predicted alternate stop codon (p.S354Ffs*2). This variant is considered to be rare based on population cohorts in the Genome Aggregation Database (gnomAD). This alteration is expected to result in loss of function by premature protein truncation or nonsense-mediated mRNA decay. As such, this alteration is interpreted as a disease-causing mutation.

Literature cited by the submitters: PubMed 17200668 (cited by Labcorp Genetics (formerly Invitae), Labcorp); PubMed 17200671 (cited by Labcorp Genetics (formerly Invitae), Labcorp); PubMed 17200672 (cited by Labcorp Genetics (formerly Invitae), Labcorp); PubMed 24136930 (cited by Labcorp Genetics (formerly Invitae), Labcorp); PubMed 25099575 (cited by Labcorp Genetics (formerly Invitae), Labcorp).